The following is an entry in ClinVar:

ClinVar aggregate classification (germline): Uncertain significance (1 of 4 stars; one submission).

Submission:

Labcorp Genetics (formerly Invitae), Labcorp
Classification: Uncertain significance. Last evaluated: 2024-02-19. Review status: criteria provided, single submitter. Criteria: Invitae Variant Classification Sherloc (09022015). Collection method: clinical testing. Allele origin: germline.
Comment: This sequence change replaces glutamic acid, which is acidic and polar, with alanine, which is neutral and non-polar, at codon 185 of the DSCAML1 protein (p.Glu185Ala). This variant is not present in population databases (gnomAD no frequency). This variant has not been reported in the literature in individuals affected with DSCAML1-related conditions. An algorithm developed to predict the effect of missense changes on protein structure and function (PolyPhen-2) suggests that this variant is likely to be disruptive. In summary, the available evidence is currently insufficient to determine the role of this variant in disease. Therefore, it has been classified as a Variant of Uncertain Significance.

NM_020693.4(DSCAML1):c.374A>C (p.Glu125Ala)

Gene: DSCAML1 (DS cell adhesion molecule like 1; minus strand). Cytogenetic location: 11q23.3.
Variant type: single nucleotide variant.
Coding change: c.374A>C on transcript NM_020693.4 (MANE Select); coding-DNA position 374, A replaced by C.
Protein change: p.Glu125Ala; replaces glutamic acid 125 with alanine.
Molecular consequence: missense variant. On other transcripts: 5 prime UTR variant (1).
Genome position (GRCh38, 1-based): chr11:117,776,928, T>G on the plus strand (A>C on the coding strand, the complement: DSCAML1 is on the minus strand). VCF-style: chr11-117776928-T-G. GRCh37 (hg19) VCF-style: chr11-117647643-T-G.
Other names: c.374A>C, p.Glu125Ala (NM_001367904.1); c.-35A>C (NM_001367905.1); short protein forms E125A.
Identifiers: ClinVar variation 3642078 (VCV003642078.2).